The following is an entry in ClinVar:

NM_000179.3(MSH6):c.3646+35_3646+38del

Gene: MSH6 (mutS homolog 6; plus strand). Cytogenetic location: 2p16.3.
Variant type: Microsatellite.
Coding change: c.3646+35_3646+38del on transcript NM_000179.3 (MANE Select); bases 35 to 38 of the intron after coding-DNA position 3646, 4 bases deleted (ATCT; older notation c.3646+35_3646+38delATCT).
Molecular consequence: intron variant.
Genome position (GRCh38, 1-based): chr2:47,805,742-47,805,745, ATCT deleted; deleting any 4 consecutive bases within chr2:47,805,736-47,805,745 gives the same sequence; the c. name uses the placement nearest the transcript's 3' end. VCF-style (leftmost placement, unchanged base first): chr2-47805735-ACTAT-A. GRCh37 (hg19) VCF-style: chr2-48032874-ACTAT-A.
Other names: c.2740+35_2740+38del (NM_001281493.2, NM_001281494.2); c.3256+35_3256+38del (NM_001281492.2); c.3646+33_3646+36delCTAT (NM_000179.2); c.3646+35_3646+38delATCT (NM_000179.2).
Identifiers: ClinVar variation 89429 (VCV000089429.16), dbSNP rs1805181, ClinGen allele CA013602.

ClinVar aggregate classification (germline): Benign. Review status: reviewed by expert panel (3 of 4 stars). 9 submissions from 9 submitters: Benign (1). 8 of the submissions do not count toward it. Last evaluated 2013-09-05.

Conditions:
Hereditary cancer-predisposing syndrome. Also called: Tumor predisposition; Hereditary Cancer Syndrome; Hereditary neoplastic syndrome; Neoplastic Syndromes, Hereditary. Identifiers: Orphanet 140162, MedGen C0027672, MeSH D009386, MONDO:0015356.
Lynch syndrome. Identifiers: Orphanet 144, MedGen C4552100, MONDO:0005835. Disease mechanism: loss of function.

Submissions (9):

International Society for Gastrointestinal Hereditary Tumours (InSiGHT)
Classification: Benign for Lynch Syndrome. Last evaluated: 2013-09-05. Review status: reviewed by expert panel. Criteria: Guidelines v1.9. Collection method: research. Allele origin: germline.
Comment: MAF >1%

Classified with v1.9 guidelines
ClinVar note: Converted during submission from no known pathogenicity to Benign.

GeneKor MSA
Classification: Benign for Hereditary cancer-predisposing syndrome. Last evaluated: 2025-07-10. Review status: criteria provided, single submitter. Criteria: ACMG Guidelines, 2015. Collection method: clinical testing. Allele origin: germline. Not counted in ClinVar's aggregate classification.

Unidad de Genómica Garrahan, Hospital de Pediatría Garrahan
Classification: Benign. Last evaluated: 2024-01-24. Review status: criteria provided, single submitter. Criteria: ACMG Guidelines, 2015. Collection method: clinical testing. Allele origin: germline. Affected: no. Observed: 77 variant alleles. Not counted in ClinVar's aggregate classification.
Comment: This variant is classified as Benign based on local population frequency. This variant was detected in 81% of patients studied by a panel of primary immunodeficiencies. Number of patients: 77. Only high quality variants are reported.

Eurofins Ntd Llc (ga)
Classification: Benign. Last evaluated: 2015-05-27. Review status: criteria provided, single submitter. Criteria: EGL Classification Definitions 2015. Collection method: clinical testing. Allele origin: germline. Observed: 10 variant alleles, 7 heterozygotes, 3 homozygotes. Not counted in ClinVar's aggregate classification.

GeneDx
Classification: Benign. Last evaluated: 2015-03-03. Review status: criteria provided, single submitter. Criteria: GeneDx Variant Classification Process June 2021. Collection method: clinical testing. Allele origin: germline. Affected: yes. Not counted in ClinVar's aggregate classification.

Clinical Genetics DNA and cytogenetics Diagnostics Lab, Erasmus MC, Erasmus Medical Center
Classification: Benign. Review status: no assertion criteria provided. Collection method: clinical testing. Allele origin: germline. Affected: yes. Study: VKGL Data-share Consensus. Not counted in ClinVar's aggregate classification.

Clinical Genetics Laboratory, Department of Pathology, Netherlands Cancer Institute
Classification: Benign. Review status: no assertion criteria provided. Collection method: clinical testing. Allele origin: germline. Affected: yes. Study: VKGL Data-share Consensus. Not counted in ClinVar's aggregate classification.

Department of Pathology and Laboratory Medicine, Sinai Health System
Classification: Uncertain significance. Review status: no assertion criteria provided. Collection method: clinical testing. Allele origin: unknown. Affected: yes. Study: The Canadian Open Genetics Repository (COGR). Not counted in ClinVar's aggregate classification.

Mayo Clinic Laboratories, Mayo Clinic
Classification: Benign. Review status: no assertion criteria provided. Collection method: research. Allele origin: unknown. Observed: 288 variant alleles, 193 homozygotes. Not counted in ClinVar's aggregate classification.